The following is an entry in ClinVar:

ClinVar aggregate classification (germline): Uncertain significance (1 of 4 stars; one submission).

Allele frequency attached by ClinVar (database versions not stated): TOPMed below 0.00001; gnomAD exomes 0.00001; ExAC 0.00002.
gnomAD v4.1: 4 of 1,614,204 alleles (0.00025%); highest among the groups gnomAD compares: Admixed American, 0.005%; no homozygotes.

Submission:

Labcorp Genetics (formerly Invitae), Labcorp
Classification: Uncertain significance. Last evaluated: 2023-08-17. Review status: criteria provided, single submitter. Criteria: Invitae Variant Classification Sherloc (09022015). Collection method: clinical testing. Allele origin: germline.
Comment: This variant has not been reported in the literature in individuals affected with KMT2A-related conditions. In summary, the available evidence is currently insufficient to determine the role of this variant in disease. Therefore, it has been classified as a Variant of Uncertain Significance. Advanced modeling of protein sequence and biophysical properties (such as structural, functional, and spatial information, amino acid conservation, physicochemical variation, residue mobility, and thermodynamic stability) performed at Invitae indicates that this missense variant is not expected to disrupt KMT2A protein function. ClinVar contains an entry for this variant (Variation ID: 1957696). This variant is present in population databases (rs781806860, gnomAD 0.009%). This sequence change replaces isoleucine, which is neutral and non-polar, with valine, which is neutral and non-polar, at codon 744 of the KMT2A protein (p.Ile744Val).

NM_001197104.2(KMT2A):c.2230A>G (p.Ile744Val)

Gene: KMT2A (lysine methyltransferase 2A; plus strand). Cytogenetic location: 11q23.3.
Variant type: single nucleotide variant.
Coding change: c.2230A>G on transcript NM_001197104.2 (MANE Select); coding-DNA position 2230, A replaced by G.
Protein change: p.Ile744Val; replaces isoleucine 744 with valine.
Molecular consequence: missense variant.
Genome position (GRCh38, 1-based): chr11:118,473,389, A>G. VCF-style: chr11-118473389-A-G. GRCh37 (hg19) VCF-style: chr11-118344104-A-G.
Other names: c.2329A>G, p.Ile777Val (NM_001412597.1); c.2230A>G, p.Ile744Val (NM_005933.4); short protein forms I744V, I777V.
Identifiers: ClinVar variation 1957696 (VCV001957696.5), dbSNP rs781806860, ClinGen allele CA6303484.